The following is an entry in ClinVar:

ClinVar aggregate classification (germline): Uncertain significance (1 of 4 stars; one submission).

Submission:

CeGaT Center for Human Genetics Tuebingen
Classification: Uncertain significance. Last evaluated: 2023-01-01. Review status: criteria provided, single submitter. Criteria: CeGaT Center For Human Genetics Tuebingen Variant Classification Criteria Version 2. Collection method: clinical testing. Allele origin: germline. Affected: yes. Observed: 1 variant allele.
Comment: SCN1A: PM1, PM2

NM_001165963.4(SCN1A):c.4002+2455G>C

Genes: SCN1A (sodium voltage-gated channel alpha subunit 1; minus strand), LOC102724058 (uncharacterized LOC102724058; plus strand). Cytogenetic location: 2q24.3.
Variant type: single nucleotide variant.
Coding change: c.4002+2455G>C on transcript NM_001165963.4 (MANE Select); 2455 bases into the intron after coding-DNA position 4002, G replaced by C.
Molecular consequence: intron variant. On other transcripts: non-coding transcript variant (1).
Genome position (GRCh38, 1-based): chr2:166,007,264, C>G on the plus strand (G>C on the coding strand, the complement: SCN1A is on the minus strand). VCF-style: chr2-166007264-C-G. GRCh37 (hg19) VCF-style: chr2-166863774-C-G.
Other names: c.3969+2455G>C (NM_001353949.2, NM_001353950.2, NM_001353951.2 and 2 more transcripts); c.3918+2455G>C (NM_001353958.2, NM_001353957.2, NM_001165964.3); c.4002+2455G>C (NM_001202435.3, NM_001353948.2); c.3966+2455G>C (NM_001353955.2, NM_001353954.2); c.3915+2455G>C (NM_001353960.2); c.1560+2455G>C (NM_001353961.2).
Identifiers: ClinVar variation 2498836 (VCV002498836.28), dbSNP rs2468471397, ClinGen allele CA2580064267.